The following is an entry in ClinVar:

ClinVar aggregate classification (germline): Likely benign (1 of 4 stars; one submission).

Submission:

CeGaT Center for Human Genetics Tuebingen
Classification: Likely benign. Last evaluated: 2022-11-01. Review status: criteria provided, single submitter. Criteria: CeGaT Center For Human Genetics Tuebingen Variant Classification Criteria Version 2. Collection method: clinical testing. Allele origin: germline. Affected: yes. Observed: 1 variant allele.
Comment: CDH22: BP4, BP7

NM_021248.3(CDH22):c.2133C>G (p.Gly711=)

Gene: CDH22 (cadherin 22; minus strand). Cytogenetic location: 20q13.12.
Variant type: single nucleotide variant.
Coding change: c.2133C>G on transcript NM_021248.3 (MANE Select); coding-DNA position 2133, C replaced by G.
Protein change: p.Gly711=; no amino-acid change (glycine 711 retained).
Molecular consequence: synonymous variant.
Genome position (GRCh38, 1-based): chr20:46,174,860, G>C on the plus strand (C>G on the coding strand, the complement: CDH22 is on the minus strand). VCF-style: chr20-46174860-G-C. GRCh37 (hg19) VCF-style: chr20-44803499-G-C.
Identifiers: ClinVar variation 2652367 (VCV002652367.24), dbSNP rs772485362, ClinGen allele CA510756125.
Genomic context (GRCh38, chr20:46,174,860, plus strand): 5'-GTGGCGCTCGGAGGGCAGGTGGGCCTGCGGGGGGCTGCCCGCGCCCCCGCCCGAGCCCCC[G>C]CCCGCTCCCCCGCCCGCGCTGCCGCCCCCGTCGCCGCCCTTGAGCTCGCCGAAGTCGTAG-3'
Protein context (NP_067071.1, residues 701-721): DGGGSAGGGA[Gly711=]GGSGGGAGSP